The following is an entry in ClinVar:

NM_178857.6(RP1L1):c.1549C>T (p.Gln517Ter)

Gene: RP1L1 (RP1 like 1). Cytogenetic location: 8p23.1.
Variant type: single nucleotide variant.
Coding change: c.1549C>T on transcript NM_178857.6 (MANE Select); coding-DNA position 1549, C replaced by T.
Protein change: p.Gln517Ter; replaces glutamine 517 with a stop codon.
Molecular consequence: nonsense.
Genome position (GRCh38, 1-based): chr8:10,612,549, G>A on the plus strand (C>T on the coding strand, the complement: RP1L1 is on the minus strand). VCF-style: chr8-10612549-G-A. GRCh37 (hg19) VCF-style: chr8-10470059-G-A.
Other names: short protein forms Q517*.
Identifiers: ClinVar variation 620550 (VCV000620550.1), dbSNP rs767562322, ClinGen allele CA370295300.
Genomic context (GRCh38, chr8:10,612,549, plus strand): 5'-CTGACGAGTCCGAAGAAGCCCCCTCCTCACTCCGGGCCCTCGGTGTCAGGCGGCCGCCTT[G>A]CTCTGGGCCGCCCAGCCCTGCTCCATCTATGCATAGGCCGGGGTCCTCACCCAGGCTCCC-3'

ClinVar aggregate classification (germline): Likely pathogenic (1 of 4 stars; one submission).

gnomAD v4.1: 1 of 1,609,226 alleles (0.000062%); highest among the groups gnomAD compares: African/African-American, 0.0013%; no homozygotes.

Submission:

GeneDx
Classification: Likely pathogenic. Last evaluated: 2019-01-28. Review status: criteria provided, single submitter. Criteria: GeneDx Variant Classification (06012015). Collection method: clinical testing. Allele origin: germline. Affected: yes.
Comment: The Q517X variant in the RP1L1 gene has not been reported previously as a pathogenic variant nor as a benign variant, to our knowledge. This variant is predicted to cause loss of normal protein function through protein truncation, as the last 1,884 amino acids are lost. The Q517X variant is not observed in large population cohorts (Lek et al., 2016). We interpret Q517X as a likely pathogenic variant.